The following is an entry in ClinVar:

NM_017636.4(TRPM4):c.982C>T (p.Gln328Ter)

Gene: TRPM4 (transient receptor potential cation channel subfamily M member 4; plus strand). Cytogenetic location: 19q13.33.
Variant type: single nucleotide variant.
Coding change: c.982C>T on transcript NM_017636.4 (MANE Select); coding-DNA position 982, C replaced by T.
Protein change: p.Gln328Ter; replaces glutamine 328 with a stop codon.
Molecular consequence: nonsense. On other transcripts: 5 prime UTR variant (1).
Genome position (GRCh38, 1-based): chr19:49,171,701, C>T. VCF-style: chr19-49171701-C-T. GRCh37 (hg19) VCF-style: chr19-49674958-C-T.
Other names: c.982C>T, p.Gln328Ter (NM_001195227.2); c.637C>T, p.Gln213Ter (NM_001321281.2); c.-572C>T (NM_001321282.2); c.460C>T, p.Gln154Ter (NM_001321283.2); c.133C>T, p.Gln45Ter (NM_001321285.2); short protein forms Q328*, Q154*, Q213*, Q45*.
Identifiers: ClinVar variation 644316 (VCV000644316.5), dbSNP rs759820855, ClinGen allele CA406794233.

ClinVar aggregate classification (germline): Uncertain significance (1 of 4 stars; one submission).

Conditions:
Progressive familial heart block type IB (PFHB1B). Identifiers: Orphanet 871, MedGen C1970298, MONDO:0011474, OMIM 604559.

gnomAD v4.1: 3 of 1,613,936 alleles (0.00019%); highest among the groups gnomAD compares: Non-Finnish European, 0.00025%; no homozygotes.

Submission:

Labcorp Genetics (formerly Invitae), Labcorp
Classification: Uncertain significance for Progressive familial heart block type IB. Last evaluated: 2024-07-19. Review status: criteria provided, single submitter. Criteria: Invitae Variant Classification Sherloc (09022015). Collection method: clinical testing. Allele origin: germline.
Comment: This sequence change creates a premature translational stop signal (p.Gln328*) in the TRPM4 gene. It is expected to result in an absent or disrupted protein product. However, the current clinical and genetic evidence is not sufficient to establish whether loss-of-function variants in TRPM4 cause disease. This variant is not present in population databases (gnomAD no frequency). This variant has not been reported in the literature in individuals affected with TRPM4-related conditions. ClinVar contains an entry for this variant (Variation ID: 644316). Algorithms developed to predict the effect of sequence changes on RNA splicing suggest that this variant may disrupt the consensus splice site. In summary, the available evidence is currently insufficient to determine the role of this variant in disease. Therefore, it has been classified as a Variant of Uncertain Significance.